The following is an entry in ClinVar:

ClinVar aggregate classification (germline): Likely pathogenic. Review status: criteria provided, multiple submitters, no conflicts (2 of 4 stars). 4 submissions from 4 submitters: Likely pathogenic (4). Last evaluated 2025-05-27.

Conditions:
Aminoglycoside-induced deafness. Also called: DEAFNESS, STREPTOMYCIN-INDUCED; STREPTOMYCIN OTOTOXICITY; MT-RNR1-Related Hearing Loss and Deafness. Identifiers: Orphanet 168609, MedGen C1838854, MONDO:0010799, OMIM 580000.
Acute infantile liver failure due to synthesis defect of mtDNA-encoded proteins. Also called: LIVER FAILURE, INFANTILE, TRANSIENT; Liver failure acute infantile; TRMU Deficiency. Identifiers: Orphanet 217371, MedGen C3278664, MONDO:0013111, OMIM 613070.

Submissions (4):

First Genomix Gene Laboratory, Genetic Diagnostics Department
Classification: Likely pathogenic for Acute infantile liver failure due to synthesis defect of mtDNA-encoded proteins. Last evaluated: 2025-05-27. Review status: criteria provided, single submitter. Criteria: ACMG Guidelines, 2015. Collection method: clinical testing. Allele origin: germline. Inheritance: Autosomal recessive inheritance. Affected: no. Observed: 1 variant allele.

Baylor Genetics
Classification: Likely pathogenic for Aminoglycoside-induced deafness. Last evaluated: 2023-04-17. Review status: criteria provided, single submitter. Criteria: ACMG Guidelines, 2015. Collection method: clinical testing. Allele origin: unknown.

Labcorp Genetics (formerly Invitae), Labcorp
Classification: Likely pathogenic. Last evaluated: 2023-03-13. Review status: criteria provided, single submitter. Criteria: Invitae Variant Classification Sherloc (09022015). Collection method: clinical testing. Allele origin: germline.
Comment: This sequence change affects a splice site in intron 3 of the TRMU gene. It is expected to disrupt RNA splicing. Variants that disrupt the donor or acceptor splice site typically lead to a loss of protein function (PMID: 16199547), and loss-of-function variants in TRMU are known to be pathogenic (PMID: 19732863, 23625533). In summary, the currently available evidence indicates that the variant is pathogenic, but additional data are needed to prove that conclusively. Therefore, this variant has been classified as Likely Pathogenic. Algorithms developed to predict the effect of sequence changes on RNA splicing suggest that this variant may disrupt the consensus splice site. ClinVar contains an entry for this variant (Variation ID: 1523468). This variant has not been reported in the literature in individuals affected with TRMU-related conditions. This variant is not present in population databases (gnomAD no frequency).

Fulgent Genetics
Classification: Likely pathogenic for Aminoglycoside-induced deafness; Acute infantile liver failure due to synthesis defect of mtDNA-encoded proteins. Last evaluated: 2022-03-09. Review status: criteria provided, single submitter. Criteria: ACMG Guidelines, 2015. Collection method: clinical testing. Allele origin: unknown.

Literature cited by the submitters: PubMed 16199547 (cited by Labcorp Genetics (formerly Invitae), Labcorp); PubMed 19732863 (cited by Labcorp Genetics (formerly Invitae), Labcorp); PubMed 23625533 (cited by Labcorp Genetics (formerly Invitae), Labcorp).

NM_018006.5(TRMU):c.356-2_356-1del

Gene: TRMU (tRNA mitochondrial 2-thiouridylase; plus strand). Cytogenetic location: 22q13.31.
Variant type: Deletion.
Coding change: c.356-2_356-1del on transcript NM_018006.5 (MANE Select); the canonical splice acceptor site of the intron before coding-DNA position 356, 2 bases deleted (AG; older notation c.356-2_356-1delAG).
Molecular consequence: splice acceptor variant.
Genome position (GRCh38, 1-based): chr22:46,346,420-46,346,421, AG deleted. VCF-style (leftmost placement, unchanged base first): chr22-46346419-CAG-C. GRCh37 (hg19) VCF-style: chr22-46742316-CAG-C.
Other names: c.356-2_356-1del (NM_001282785.2); c.14-2_14-1del (NM_001282782.2); c.-6-2_-6-1del (NM_001282783.2, NM_001282784.2); c.356-2_356-1delAG (NM_018006.5).
Identifiers: ClinVar variation 1523468 (VCV001523468.11), dbSNP rs2147053913, ClinGen allele CA2573158384.
Genomic context (GRCh38, chr22:46,346,419, plus strand): 5'-TGCTGATCAAGGCCTGCAAGTATGAGTCTAAAACCTGATCCTTGTGTTCTAAAAACCTCA[CAG>C]GGGCAGATGCCATTGCCACAGGTCACTATGCAAGAACTTCCCTGGAAGATGAAGAAGTCT-3'